The following is an entry in ClinVar:

NM_000209.4(PDX1):c.709G>A (p.Ala237Thr)

Gene: PDX1 (pancreatic and duodenal homeobox 1; plus strand). Cytogenetic location: 13q12.2.
Variant type: single nucleotide variant.
Coding change: c.709G>A on transcript NM_000209.4 (MANE Select); coding-DNA position 709, G replaced by A.
Protein change: p.Ala237Thr; replaces alanine 237 with threonine.
Molecular consequence: missense variant.
Genome position (GRCh38, 1-based): chr13:27,924,558, G>A. VCF-style: chr13-27924558-G-A. GRCh37 (hg19) VCF-style: chr13-28498695-G-A.
Other names: short protein forms A237T.
Identifiers: ClinVar variation 4989825 (VCV004989825.1).

ClinVar aggregate classification (germline): Uncertain significance (1 of 4 stars; one submission).

Conditions:
PDX1-related disorder. Also called: PDX1-related disorders; PDX1-related condition.

Submission:

PreventionGenetics, part of Exact Sciences
Classification: Uncertain significance for PDX1-related condition. Last evaluated: 2026-01-16. Review status: criteria provided, single submitter. Criteria: ACMG Guidelines, 2015. Collection method: clinical testing. Allele origin: germline.
Comment: The PDX1 c.709G>A variant is predicted to result in the amino acid substitution p.Ala237Thr. To our knowledge, this variant has not been reported in the literature or in a large population database (gnomAD), indicating this variant is rare. At this time, the clinical significance of this variant is uncertain due to the absence of conclusive functional and genetic evidence.